The following is an entry in ClinVar:

NM_024105.4(ALG12):c.652A>G (p.Ile218Val)

Gene: ALG12 (ALG12 alpha-1,6-mannosyltransferase; minus strand). Cytogenetic location: 22q13.33.
Variant type: single nucleotide variant.
Coding change: c.652A>G on transcript NM_024105.4 (MANE Select); coding-DNA position 652, A replaced by G.
Protein change: p.Ile218Val; replaces isoleucine 218 with valine.
Molecular consequence: missense variant.
Genome position (GRCh38, 1-based): chr22:49,909,906, T>C on the plus strand (A>G on the coding strand, the complement: ALG12 is on the minus strand). VCF-style: chr22-49909906-T-C. GRCh37 (hg19) VCF-style: chr22-50303554-T-C.
Other names: short protein forms I218V.
Identifiers: ClinVar variation 578572 (VCV000578572.4), dbSNP rs146322225, ClinGen allele CA10300534.

ClinVar aggregate classification (germline): Uncertain significance. Review status: criteria provided, single submitter (1 of 4 stars). 2 submissions from 2 submitters: Uncertain significance (1). 1 of the submissions does not count toward it. Last evaluated 2022-08-23.

Conditions:
ALG12-congenital disorder of glycosylation (CDG1G). Also called: Congenital disorder of glycosylation, type Ig; CDG Ig; ALG12-CDG. Identifiers: Orphanet 79324, MedGen C2931001, MONDO:0011783, OMIM 607143.
ALG12-related disorder. Also called: ALG12-related condition.

Allele frequency attached by ClinVar (database versions not stated): gnomAD exomes 0.00004 and 0.00012; ExAC 0.00015; ESP Exome Variant Server 0.00038; gnomAD 0.00057 and 0.00061; TOPMed 0.00068; 1000 Genomes Project 0.00080; 1000 Genomes Project 30x 0.00094.
gnomAD v4.1: 155 of 1,614,122 alleles (0.0096%); highest among the groups gnomAD compares: African/African-American, 0.19%; no homozygotes.

Submissions (2):

Labcorp Genetics (formerly Invitae), Labcorp
Classification: Uncertain significance for ALG12-congenital disorder of glycosylation. Last evaluated: 2022-08-23. Review status: criteria provided, single submitter. Criteria: Invitae Variant Classification Sherloc (09022015). Collection method: clinical testing. Allele origin: germline.
Comment: This sequence change replaces isoleucine, which is neutral and non-polar, with valine, which is neutral and non-polar, at codon 218 of the ALG12 protein (p.Ile218Val). This variant is present in population databases (rs146322225, gnomAD 0.2%). This variant has not been reported in the literature in individuals affected with ALG12-related conditions. ClinVar contains an entry for this variant (Variation ID: 578572). Algorithms developed to predict the effect of missense changes on protein structure and function output the following: SIFT: "Tolerated"; PolyPhen-2: "Benign"; Align-GVGD: "Class C0". The valine amino acid residue is found in multiple mammalian species, which suggests that this missense change does not adversely affect protein function. In summary, the available evidence is currently insufficient to determine the role of this variant in disease. Therefore, it has been classified as a Variant of Uncertain Significance.

PreventionGenetics, part of Exact Sciences
Classification: Likely benign for ALG12-related condition. Last evaluated: 2024-03-28. Review status: no assertion criteria provided. Collection method: clinical testing. Allele origin: germline. Not counted in ClinVar's aggregate classification.
Comment: This variant is classified as likely benign based on ACMG/AMP sequence variant interpretation guidelines (Richards et al. 2015 PMID: 25741868, with internal and published modifications).